The following is an entry in ClinVar:

ClinVar aggregate classification (germline): Uncertain significance (1 of 4 stars; one submission).

Submission:

Labcorp Genetics (formerly Invitae), Labcorp
Classification: Uncertain significance. Last evaluated: 2024-10-26. Review status: criteria provided, single submitter. Criteria: Invitae Variant Classification Sherloc (09022015). Collection method: clinical testing. Allele origin: germline.
Comment: This sequence change replaces alanine, which is neutral and non-polar, with threonine, which is neutral and polar, at codon 1379 of the COL11A1 protein (p.Ala1379Thr). This variant is not present in population databases (gnomAD no frequency). This variant has not been reported in the literature in individuals affected with COL11A1-related conditions. Invitae Evidence Modeling of protein sequence and biophysical properties (such as structural, functional, and spatial information, amino acid conservation, physicochemical variation, residue mobility, and thermodynamic stability) indicates that this missense variant is not expected to disrupt COL11A1 protein function with a negative predictive value of 80%. Algorithms developed to predict the effect of sequence changes on RNA splicing suggest that this variant may create or strengthen a splice site. In summary, the available evidence is currently insufficient to determine the role of this variant in disease. Therefore, it has been classified as a Variant of Uncertain Significance.

NM_001854.4(COL11A1):c.4135G>A (p.Ala1379Thr)

Gene: COL11A1 (collagen type XI alpha 1 chain; minus strand). Cytogenetic location: 1p21.1.
Variant type: single nucleotide variant.
Coding change: c.4135G>A on transcript NM_001854.4 (MANE Select); coding-DNA position 4135, G replaced by A.
Protein change: p.Ala1379Thr; replaces alanine 1379 with threonine.
Molecular consequence: missense variant. On other transcripts: non-coding transcript variant (1).
Genome position (GRCh38, 1-based): chr1:102,898,946, C>T on the plus strand (G>A on the coding strand, the complement: COL11A1 is on the minus strand). VCF-style: chr1-102898946-C-T. GRCh37 (hg19) VCF-style: chr1-103364502-C-T.
Other names: c.4018G>A, p.Ala1340Thr (NM_001190709.2); c.4171G>A, p.Ala1391Thr (NM_080629.3); c.3787G>A, p.Ala1263Thr (NM_080630.4); short protein forms A1379T, A1340T, A1263T, A1391T.
Identifiers: ClinVar variation 3639730 (VCV003639730.2).
Genomic context (GRCh38, chr1:102,898,946, plus strand): 5'-TACCTTGTATATATAATATATAATATATATTATGTATATATTATTTTTTTTTTACCTTAG[C>T]ACCTTTTTCACCTTGTCTTCCCTCTGCACCTGCAGCTCCAGGAGGACCCTATAGACATAA-3'
Protein context (NP_001845.3, residues 1369-1389): GAEGRQGEKG[Ala1379Thr]KGEAGAEGPP